The following is an entry in ClinVar:

ClinVar aggregate classification (germline): Uncertain significance. Review status: criteria provided, multiple submitters, no conflicts (2 of 4 stars). 2 submissions from 2 submitters: Uncertain significance (2). Last evaluated 2023-11-09.

Conditions:
Charcot-Marie-Tooth disease type 4. Also called: Charcot-Marie-Tooth disease, type IV; Charcot-Marie-Tooth, Type 4. Identifiers: Orphanet 64749, MedGen C4082197, MONDO:0018995.
Inborn genetic diseases. Identifiers: MedGen C0950123, MeSH D030342.

Allele frequency attached by ClinVar (database versions not stated): gnomAD exomes 0.00001 and 0.00008; gnomAD 0.00002 and 0.00003; TOPMed 0.00002; ExAC 0.00007.
gnomAD v4.1: 23 of 1,614,138 alleles (0.0014%); highest among the groups gnomAD compares: East Asian, 0.051%; no homozygotes.

Submissions (2):

Ambry Genetics
Classification: Uncertain significance for Inborn genetic diseases. Last evaluated: 2023-11-09. Review status: criteria provided, single submitter. Criteria: Ambry Variant Classification Scheme 2023. Collection method: clinical testing. Allele origin: germline.

Labcorp Genetics (formerly Invitae), Labcorp
Classification: Uncertain significance for Charcot-Marie-Tooth disease type 4. Last evaluated: 2023-07-07. Review status: criteria provided, single submitter. Criteria: Invitae Variant Classification Sherloc (09022015). Collection method: clinical testing. Allele origin: germline.
Comment: This sequence change replaces phenylalanine, which is neutral and non-polar, with serine, which is neutral and polar, at codon 936 of the PRX protein (p.Phe936Ser). This variant is present in population databases (rs765270572, gnomAD 0.1%). This variant has not been reported in the literature in individuals affected with PRX-related conditions. ClinVar contains an entry for this variant (Variation ID: 1403043). Advanced modeling of protein sequence and biophysical properties (such as structural, functional, and spatial information, amino acid conservation, physicochemical variation, residue mobility, and thermodynamic stability) performed at Invitae indicates that this missense variant is not expected to disrupt PRX protein function. In summary, the available evidence is currently insufficient to determine the role of this variant in disease. Therefore, it has been classified as a Variant of Uncertain Significance.

NM_181882.3(PRX):c.2807T>C (p.Phe936Ser)

Gene: PRX (periaxin; minus strand). Cytogenetic location: 19q13.2.
Variant type: single nucleotide variant.
Coding change: c.2807T>C on transcript NM_181882.3 (MANE Select); coding-DNA position 2807, T replaced by C.
Protein change: p.Phe936Ser; replaces phenylalanine 936 with serine.
Molecular consequence: missense variant. On other transcripts: 3 prime UTR variant (1).
Genome position (GRCh38, 1-based): chr19:40,395,545, A>G on the plus strand (T>C on the coding strand, the complement: PRX is on the minus strand). VCF-style: chr19-40395545-A-G. GRCh37 (hg19) VCF-style: chr19-40901452-A-G.
Other names: c.*3012T>C (NM_020956.2); c.2807T>C (NM_181882.2); short protein forms F936S.
Identifiers: ClinVar variation 1403043 (VCV001403043.7), dbSNP rs765270572, ClinGen allele CA9443975.
Genomic context (GRCh38, chr19:40,395,545, plus strand): 5'-TTGGTAGCTCGCCCAGCCCCCTCAGCCTCTGCCTTAGCCACCTTTGGCCCCGAGAGTCCA[A>G]ACTTAGGTAAGGAGAACTTGGAAGAGGGCTTGACTTTTGTCTCTATCATCTCCAGCCGCC-3'
Protein context (NP_870998.2, residues 926-946): KPSSKFSLPK[Phe936Ser]GLSGPKVAKA